The following is an entry in ClinVar:

ClinVar aggregate classification (germline): Uncertain significance (1 of 4 stars; one submission).

gnomAD v4.1: 3 of 1,609,186 alleles (0.00019%); highest among the groups gnomAD compares: Admixed American, 0.0033%; no homozygotes.

Submission:

GeneDx
Classification: Uncertain significance. Last evaluated: 2025-07-28. Review status: criteria provided, single submitter. Criteria: GeneDx Variant Classification Process June 2021. Collection method: clinical testing. Allele origin: germline. Affected: yes.
Comment: Not observed at significant frequency in large population cohorts (gnomAD); In silico analysis suggests that this missense variant does not alter protein structure/function; Has not been previously published as pathogenic or benign to our knowledge

NM_138694.4(PKHD1):c.9863A>G (p.Tyr3288Cys)

Gene: PKHD1 (PKHD1 ciliary IPT domain containing fibrocystin/polyductin; minus strand). Cytogenetic location: 6p12.3.
Variant type: single nucleotide variant.
Coding change: c.9863A>G on transcript NM_138694.4 (MANE Select); coding-DNA position 9863, A replaced by G.
Protein change: p.Tyr3288Cys; replaces tyrosine 3288 with cysteine.
Molecular consequence: missense variant.
Genome position (GRCh38, 1-based): chr6:51,746,856, T>C on the plus strand (A>G on the coding strand, the complement: PKHD1 is on the minus strand). VCF-style: chr6-51746856-T-C. GRCh37 (hg19) VCF-style: chr6-51611654-T-C.
Other names: c.9863A>G, p.Tyr3288Cys (NM_170724.3); short protein forms Y3288C.
Identifiers: ClinVar variation 4689931 (VCV004689931.1).